The following is an entry in ClinVar:

NM_015338.6(ASXL1):c.4546T>C (p.Cys1516Arg)

Gene: ASXL1 (ASXL transcriptional regulator 1; plus strand). Cytogenetic location: 20q11.21.
Variant type: single nucleotide variant.
Coding change: c.4546T>C on transcript NM_015338.6 (MANE Select); coding-DNA position 4546, T replaced by C.
Protein change: p.Cys1516Arg; replaces cysteine 1516 with arginine.
Molecular consequence: missense variant.
Genome position (GRCh38, 1-based): chr20:32,437,258, T>C. VCF-style: chr20-32437258-T-C. GRCh37 (hg19) VCF-style: chr20-31025061-T-C.
Other names: c.4363T>C, p.Cys1455Arg (NM_001363734.1); short protein forms C1455R, C1516R.
Identifiers: ClinVar variation 4589092 (VCV004589092.1).
Genomic context (GRCh38, chr20:32,437,258, plus strand): 5'-AGCAGCACGGTGGAAAGCATCTCGCTCCAGTGTGCGTGCAGCCTGAAAGCCATGATCATG[T>C]GCCAAGGCTGCGGTGCGTTCTGTCACGATGACTGTATTGGACCCTCAAAGCTCTGTGTAT-3'
Protein context (NP_056153.2, residues 1506-1526): CACSLKAMIM[Cys1516Arg]QGCGAFCHDD

ClinVar aggregate classification (germline): Uncertain significance (1 of 4 stars; one submission).

Conditions:
Inborn genetic diseases. Identifiers: MedGen C0950123, MeSH D030342.

Submission:

Ambry Genetics
Classification: Uncertain significance for Inborn genetic diseases. Last evaluated: 2025-12-10. Review status: criteria provided, single submitter. Criteria: Ambry Variant Classification Scheme 2023. Collection method: clinical testing. Allele origin: germline.
Comment: The p.C1516R variant (also known as c.4546T>C), located in coding exon 13 of the ASXL1 gene, results from a T to C substitution at nucleotide position 4546. The cysteine at codon 1516 is replaced by arginine, an amino acid with highly dissimilar properties. This amino acid position is conserved. In addition, this alteration is predicted to be deleterious by in silico analysis. Based on the available evidence, the clinical significance of this variant remains unclear.